The following is an entry in ClinVar:

ClinVar aggregate classification (germline): Uncertain significance. Review status: criteria provided, multiple submitters, no conflicts (2 of 4 stars). 2 submissions from 2 submitters: Uncertain significance (2). Last evaluated 2025-01-20.

Conditions:
Inborn genetic diseases. Identifiers: MedGen C0950123, MeSH D030342.

Allele frequency attached by ClinVar (database versions not stated): gnomAD exomes 0.00001.
gnomAD v4.1: 10 of 1,612,054 alleles (0.00062%); highest among the groups gnomAD compares: African/African-American, 0.0013%; no homozygotes.

Submissions (2):

Labcorp Genetics (formerly Invitae), Labcorp
Classification: Uncertain significance. Last evaluated: 2025-01-20. Review status: criteria provided, single submitter. Criteria: Invitae Variant Classification Sherloc (09022015). Collection method: clinical testing. Allele origin: germline.
Comment: This sequence change replaces isoleucine, which is neutral and non-polar, with asparagine, which is neutral and polar, at codon 186 of the SMAD2 protein (p.Ile186Asn). This variant is not present in population databases (gnomAD no frequency). This variant has not been reported in the literature in individuals affected with SMAD2-related conditions. ClinVar contains an entry for this variant (Variation ID: 1748420). Invitae Evidence Modeling of protein sequence and biophysical properties (such as structural, functional, and spatial information, amino acid conservation, physicochemical variation, residue mobility, and thermodynamic stability) indicates that this missense variant is not expected to disrupt SMAD2 protein function with a negative predictive value of 80%. In summary, the available evidence is currently insufficient to determine the role of this variant in disease. Therefore, it has been classified as a Variant of Uncertain Significance.

Ambry Genetics
Classification: Uncertain significance for Inborn genetic diseases. Last evaluated: 2024-06-11. Review status: criteria provided, single submitter. Criteria: Ambry Variant Classification Scheme 2023. Collection method: clinical testing. Allele origin: germline.
Comment: The p.I186N variant (also known as c.557T>A), located in coding exon 4 of the SMAD2 gene, results from a T to A substitution at nucleotide position 557. The isoleucine at codon 186 is replaced by asparagine, an amino acid with dissimilar properties. This amino acid position is conserved. In addition, this alteration is predicted to be deleterious by in silico analysis. Since supporting evidence is limited at this time, the clinical significance of this alteration remains unclear.

NM_005901.6(SMAD2):c.557T>A (p.Ile186Asn)

Gene: SMAD2 (SMAD family member 2; minus strand). Cytogenetic location: 18q21.1.
Variant type: single nucleotide variant.
Coding change: c.557T>A on transcript NM_005901.6 (MANE Select); coding-DNA position 557, T replaced by A.
Protein change: p.Ile186Asn; replaces isoleucine 186 with asparagine.
Molecular consequence: missense variant.
Genome position (GRCh38, 1-based): chr18:47,868,421, A>T on the plus strand (T>A on the coding strand, the complement: SMAD2 is on the minus strand). VCF-style: chr18-47868421-A-T. GRCh37 (hg19) VCF-style: chr18-45394792-A-T.
Other names: c.557T>A, p.Ile186Asn (NM_001003652.4); c.467T>A, p.Ile156Asn (NM_001135937.3); short protein forms I156N, I186N.
Identifiers: ClinVar variation 1748420 (VCV001748420.5), dbSNP rs2144373881, ClinGen allele CA402501715.
Genomic context (GRCh38, chr18:47,868,421, plus strand): 5'-AAGTTAGTGTTTTCTGGAATGGAGTGAGTATAGTCATCCAGAGGCGGAAGTTCTGTTAGG[A>T]TCTCGGTGTGTCGGGGCACTAATACTGGAGGCAAAACTGAAAAAGTTCAAGAAATCCAAG-3'
Protein context (NP_005892.1, residues 176-196): PPVLVPRHTE[Ile186Asn]LTELPPLDDY